The following is an entry in ClinVar:

ClinVar aggregate classification (germline): Uncertain significance. Review status: criteria provided, multiple submitters, no conflicts (2 of 4 stars). 2 submissions from 2 submitters: Uncertain significance (2). Last evaluated 2024-12-02.

Conditions:
Charcot-Marie-Tooth disease type 2. Also called: Charcot-Marie-Tooth type 2. Identifiers: Orphanet 64746, MedGen C0270914, MONDO:0018993.

Submissions (2):

Labcorp Genetics (formerly Invitae), Labcorp
Classification: Uncertain significance for Charcot-Marie-Tooth disease type 2. Last evaluated: 2024-12-02. Review status: criteria provided, single submitter. Criteria: Invitae Variant Classification Sherloc (09022015). Collection method: clinical testing. Allele origin: germline.
Comment: This sequence change replaces tyrosine, which is neutral and polar, with cysteine, which is neutral and slightly polar, at codon 189 of the KIF1B protein (p.Tyr189Cys). This variant is not present in population databases (gnomAD no frequency). This variant has not been reported in the literature in individuals affected with KIF1B-related conditions. Invitae Evidence Modeling of protein sequence and biophysical properties (such as structural, functional, and spatial information, amino acid conservation, physicochemical variation, residue mobility, and thermodynamic stability) indicates that this missense variant is expected to disrupt KIF1B protein function with a positive predictive value of 80%. In summary, the available evidence is currently insufficient to determine the role of this variant in disease. Therefore, it has been classified as a Variant of Uncertain Significance.

Ambry Genetics
Classification: Uncertain significance. Last evaluated: 2024-07-28. Review status: criteria provided, single submitter. Criteria: Ambry Variant Classification Scheme 2023. Collection method: clinical testing. Allele origin: germline.
Comment: The p.Y189C variant (also known as c.566A>G), located in coding exon 5 of the KIF1B gene, results from an A to G substitution at nucleotide position 566. The tyrosine at codon 189 is replaced by cysteine, an amino acid with highly dissimilar properties. This amino acid position is conserved. In addition, this alteration is predicted to be deleterious by in silico analysis. Based on the available evidence, the clinical significance of this variant remains unclear.

NM_001365951.3(KIF1B):c.566A>G (p.Tyr189Cys)

Gene: KIF1B (kinesin family member 1B; plus strand). Cytogenetic location: 1p36.22.
Variant type: single nucleotide variant.
Coding change: c.566A>G on transcript NM_001365951.3 (MANE Select); coding-DNA position 566, A replaced by G.
Protein change: p.Tyr189Cys; replaces tyrosine 189 with cysteine.
Molecular consequence: missense variant.
Genome position (GRCh38, 1-based): chr1:10,267,516, A>G. VCF-style: chr1-10267516-A-G. GRCh37 (hg19) VCF-style: chr1-10327574-A-G.
Other names: c.566A>G, p.Tyr189Cys (NM_001365952.1, NM_001365953.1, NM_015074.3 and 1 more transcripts); short protein forms Y189C.
Identifiers: ClinVar variation 3533954 (VCV003533954.3).